The following is an entry in ClinVar:

ClinVar aggregate classification (germline): Uncertain significance. Review status: criteria provided, multiple submitters, no conflicts (2 of 4 stars). 4 submissions from 4 submitters: Uncertain significance (4). Last evaluated 2025-05-05.

Conditions:
Inborn genetic diseases. Identifiers: MedGen C0950123, MeSH D030342.
T-cell immunodeficiency, congenital alopecia, and nail dystrophy. Also called: Congenital alopecia and nail dystrophy associated with severe functional T-cell immunodeficiency; Pignata Guarino syndrome. Identifiers: Orphanet 169095, MedGen C1866426, MONDO:0011132, OMIM 601705.

Allele frequency attached by ClinVar (database versions not stated): gnomAD exomes 0.00003; ExAC 0.00004; TOPMed 0.00009; gnomAD 0.00010 and 0.00011.

Submissions (4):

Labcorp Genetics (formerly Invitae), Labcorp
Classification: Uncertain significance for T-cell immunodeficiency, congenital alopecia, and nail dystrophy. Last evaluated: 2025-05-05. Review status: criteria provided, single submitter. Criteria: Invitae Variant Classification Sherloc (09022015). Collection method: clinical testing. Allele origin: germline.
Comment: This sequence change replaces proline, which is neutral and non-polar, with leucine, which is neutral and non-polar, at codon 31 of the FOXN1 protein (p.Pro31Leu). This variant is present in population databases (rs771909592, gnomAD 0.04%). This variant has not been reported in the literature in individuals affected with FOXN1-related conditions. ClinVar contains an entry for this variant (Variation ID: 964931). An algorithm developed to predict the effect of missense changes on protein structure and function (PolyPhen-2) suggests that this variant is likely to be disruptive. In summary, the available evidence is currently insufficient to determine the role of this variant in disease. Therefore, it has been classified as a Variant of Uncertain Significance.

Blueprint Genetics
Classification: Uncertain significance. Last evaluated: 2024-07-18. Review status: criteria provided, single submitter. Criteria: ACMG Guidelines, 2015. Collection method: clinical testing. Allele origin: germline.

Ambry Genetics
Classification: Uncertain significance for Inborn genetic diseases. Last evaluated: 2024-01-04. Review status: criteria provided, single submitter. Criteria: Ambry Variant Classification Scheme 2023. Collection method: clinical testing. Allele origin: germline.

Baylor Genetics
Classification: Uncertain significance for T-cell immunodeficiency, congenital alopecia, and nail dystrophy. Last evaluated: 2023-11-17. Review status: criteria provided, single submitter. Criteria: ACMG Guidelines, 2015. Collection method: clinical testing. Allele origin: unknown.

NM_001369369.1(FOXN1):c.92C>T (p.Pro31Leu)

Gene: FOXN1 (forkhead box N1; plus strand). Cytogenetic location: 17q11.2.
Variant type: single nucleotide variant.
Coding change: c.92C>T on transcript NM_001369369.1 (MANE Select); coding-DNA position 92, C replaced by T.
Protein change: p.Pro31Leu; replaces proline 31 with leucine.
Molecular consequence: missense variant.
Genome position (GRCh38, 1-based): chr17:28,524,061, C>T. VCF-style: chr17-28524061-C-T. GRCh37 (hg19) VCF-style: chr17-26851079-C-T.
Other names: c.92C>T, p.Pro31Leu (NM_003593.3); short protein forms P31L.
Identifiers: ClinVar variation 964931 (VCV000964931.10), dbSNP rs771909592, ClinGen allele CA8459137.
Genomic context (GRCh38, chr17:28,524,061, plus strand): 5'-TCACGCTGCCGGGCCCCACCAGACTGGAGGGCGAGCGCCAAGGGGACCTCATGCAGGCAC[C>T]GGGCCTCCCAGGCTCCCCTGCCCCACAGAGTGTAAGTACCCGGCATCTGGGCCTGGGTTT-3'
Protein context (NP_001356298.1, residues 21-41): GERQGDLMQA[Pro31Leu]GLPGSPAPQS